The following is an entry in ClinVar:

ClinVar aggregate classification (germline): Uncertain significance (1 of 4 stars; one submission).

Conditions:
Chédiak-Higashi syndrome (CHS). Also called: Chediak-Higashi Syndrome. Identifiers: Orphanet 167, MedGen C0007965, MONDO:0008963, OMIM 214500.

Allele frequency attached by ClinVar (database versions not stated): gnomAD 0.00001.
gnomAD v4.1: 1 of 1,613,944 alleles (0.000062%); highest among the groups gnomAD compares: Non-Finnish European, 0.000085%; no homozygotes.

Submission:

Labcorp Genetics (formerly Invitae), Labcorp
Classification: Uncertain significance for Chédiak-Higashi syndrome. Last evaluated: 2025-02-10. Review status: criteria provided, single submitter. Criteria: Invitae Variant Classification Sherloc (09022015). Collection method: clinical testing. Allele origin: germline.
Comment: This sequence change replaces serine, which is neutral and polar, with tyrosine, which is neutral and polar, at codon 3665 of the LYST protein (p.Ser3665Tyr). This variant is not present in population databases (gnomAD no frequency). This variant has not been reported in the literature in individuals affected with LYST-related conditions. ClinVar contains an entry for this variant (Variation ID: 2099751). Invitae Evidence Modeling of protein sequence and biophysical properties (such as structural, functional, and spatial information, amino acid conservation, physicochemical variation, residue mobility, and thermodynamic stability) indicates that this missense variant is expected to disrupt LYST protein function with a positive predictive value of 80%. In summary, the available evidence is currently insufficient to determine the role of this variant in disease. Therefore, it has been classified as a Variant of Uncertain Significance.

NM_000081.4(LYST):c.10994C>A (p.Ser3665Tyr)

Gene: LYST (lysosomal trafficking regulator; minus strand). Cytogenetic location: 1q42.3.
Variant type: single nucleotide variant.
Coding change: c.10994C>A on transcript NM_000081.4 (MANE Select); coding-DNA position 10994, C replaced by A.
Protein change: p.Ser3665Tyr; replaces serine 3665 with tyrosine.
Molecular consequence: missense variant.
Genome position (GRCh38, 1-based): chr1:235,677,135, G>T on the plus strand (C>A on the coding strand, the complement: LYST is on the minus strand). VCF-style: chr1-235677135-G-T. GRCh37 (hg19) VCF-style: chr1-235840435-G-T.
Other names: c.10994C>A, p.Ser3665Tyr (NM_001301365.1); short protein forms S3665Y.
Identifiers: ClinVar variation 2099751 (VCV002099751.2), dbSNP rs1659443581, ClinGen allele CA344921234.